The following is an entry in ClinVar:

ClinVar aggregate classification (germline): Benign. Review status: criteria provided, multiple submitters, no conflicts (2 of 4 stars). 2 submissions from 2 submitters: Benign (2). Last evaluated 2018-01-13.

Conditions:
Oculocutaneous albinism type 3 (OCA3). Also called: ALBINISM III; RUFOUS OCULOCUTANEOUS ALBINISM; XANTHISM; Albinism, oculocutaneous, type III; Rufous OCA; Rufous albinism. Identifiers: Orphanet 79433, MedGen C0342683, MONDO:0008747, OMIM 203290.

Allele frequency attached by ClinVar (database versions not stated): 1000 Genomes Project 0.27256; 1000 Genomes Project 30x 0.27420; TOPMed 0.46892; gnomAD 0.49632 and 0.50921.

Submissions (2):

Illumina Laboratory Services, Illumina
Classification: Benign for Oculocutaneous albinism type 3. Last evaluated: 2018-01-13. Review status: criteria provided, single submitter. Criteria: ICSL Variant Classification Criteria 13 December 2019. Collection method: clinical testing. Allele origin: germline.
Comment: This variant was observed in the ICSL laboratory as part of a predisposition screen in an ostensibly healthy population. It had not been previously curated by ICSL or reported in the Human Gene Mutation Database (HGMD: prior to June 1st, 2018), and was therefore a candidate for classification through an automated scoring system. Utilizing variant allele frequency, disease prevalence and penetrance estimates, and inheritance mode, an automated score was calculated to assess if this variant is too frequent to cause the disease. Based on the score and internal cut-off values, a variant classified as benign is not then subjected to further curation. The score for this variant resulted in a classification of benign for this disease.

Breakthrough Genomics
Classification: Benign. Review status: criteria provided, single submitter. Criteria: ACMG Guidelines, 2015. Collection method: not provided. Allele origin: germline. Inheritance: Autosomal recessive inheritance. Affected: yes.

NM_000550.3(TYRP1):c.*908T>C

Genes: LURAP1L-AS1 (LURAP1L antisense RNA 1; minus strand), TYRP1 (tyrosinase related protein 1; plus strand). Cytogenetic location: 9p23.
Variant type: single nucleotide variant.
Coding change: c.*908T>C on transcript NM_000550.3 (MANE Select); 908 bases downstream of the stop codon, T replaced by C.
Molecular consequence: 3 prime UTR variant.
Genome position (GRCh38, 1-based): chr9:12,710,090, T>C. VCF-style: chr9-12710090-T-C. GRCh37 (hg19) VCF-style: chr9-12710090-T-C.
Identifiers: ClinVar variation 364873 (VCV000364873.6), dbSNP rs1063380, ClinGen allele CA10632391.